The following is an entry in ClinVar:

ClinVar aggregate classification (germline): Likely benign (1 of 4 stars; one submission).

Submission:

CeGaT Center for Human Genetics Tuebingen
Classification: Likely benign. Last evaluated: 2023-10-01. Review status: criteria provided, single submitter. Criteria: CeGaT Center For Human Genetics Tuebingen Variant Classification Criteria Version 2. Collection method: clinical testing. Allele origin: germline. Affected: yes. Observed: 1 variant allele.
Comment: ZNF662: PM2:Supporting, BP4, BP7

NM_207404.4(ZNF662):c.-94+246A>G

Gene: ZNF662 (zinc finger protein 662; plus strand). Cytogenetic location: 3p22.1.
Variant type: single nucleotide variant.
Coding change: c.-94+246A>G on transcript NM_207404.4 (MANE Select); 246 bases into the intron after 94 bases upstream of the start codon, A replaced by G.
Molecular consequence: intron variant. On other transcripts: synonymous variant (1).
Genome position (GRCh38, 1-based): chr3:42,906,414, A>G. VCF-style: chr3-42906414-A-G. GRCh37 (hg19) VCF-style: chr3-42947906-A-G.
Other names: c.63A>G, p.Gly21= (NM_001134656.2).
Identifiers: ClinVar variation 2653717 (VCV002653717.24), dbSNP rs2528642379, ClinGen allele CA433231742.
Genomic context (GRCh38, chr3:42,906,414, plus strand): 5'-GGCGGCCGTGGCGCTGGCGAGCGGGACACGCCTCGGCCTTGTCCTCGAGCTGCTCCCGGG[A>G]CAGCCCGCGCTGCCCCGGGCGCGCCGGGTGAGTGCGGGGCCGGAGCCTGGAAGCAGTCTT-3'